The following is an entry in ClinVar:

ClinVar aggregate classification (germline): Likely pathogenic. Review status: criteria provided, multiple submitters, no conflicts (2 of 4 stars). 2 submissions from 2 submitters: Likely pathogenic (2). Last evaluated 2026-08-06.

Conditions:
Cowden syndrome 7 (CWS7). Identifiers: Orphanet 201, MedGen C4225179, MONDO:0014802, OMIM 616858.
Congenital dyserythropoietic anemia, type II (CDAN2). Also called: DYSERYTHROPOIETIC ANEMIA, HEMPAS TYPE. Identifiers: Orphanet 98873, MedGen C1306589, MONDO:0009134, OMIM 224100.
SEC23B-related disorder. Also called: SEC23B-related condition; SEC23B-related disorders.

Allele frequency attached by ClinVar (database versions not stated): gnomAD exomes below 0.00001.
gnomAD v4.1: 2 of 1,605,910 alleles (0.00012%); highest among the groups gnomAD compares: Non-Finnish European, 0.00017%; no homozygotes.

Submissions (2):

PreventionGenetics, part of Exact Sciences
Classification: Likely pathogenic for SEC23B-related condition. Last evaluated: 2026-08-06. Review status: criteria provided, single submitter. Criteria: ACMG Guidelines, 2015. Collection method: clinical testing. Allele origin: germline.
Comment: The SEC23B c.1404+5G>A variant is predicted to interfere with splicing. This variant has been reported in the compound heterozygous state in an individual with congenital dyserythropoietic anemia type II (Russo et al. 2013. PubMed ID: 23453696). The functional study showed that this variant results in the in-frame deletion of exon 12 (Russo et al. 2013. PubMed ID: 23453696). This variant has not been reported in a large population database (gnomAD), indicating this variant is rare. This variant is interpreted as likely pathogenic.

Labcorp Genetics (formerly Invitae), Labcorp
Classification: Likely pathogenic for Congenital dyserythropoietic anemia, type II; Cowden syndrome 7. Last evaluated: 2018-01-13. Review status: criteria provided, single submitter. Criteria: Invitae Variant Classification Sherloc (09022015). Collection method: clinical testing. Allele origin: germline.
Comment: In summary, the currently available evidence indicates that the variant is pathogenic, but additional data are needed to prove that conclusively. Therefore, this variant has been classified as Likely Pathogenic. Nucleotide substitutions within the consensus splice site are a relatively common cause of aberrant splicing (PMID: 17576681, 9536098). Experimental studies have shown that this change leads to the in-frame deletion of exon 12 that results in an unstable transcript (PMID: 23453696). This variant has been observed on the opposite chromosome (in trans) from a pathogenic variant in an individual affected with dyserythropoietic anemia (PMID:23453696). This finding is consistent with autosomal recessive inheritance, and suggests that this variant contributes to disease. This variant is not present in population databases (ExAC no frequency). This sequence change falls in intron 12 of the SEC23B gene. It does not directly change the encoded amino acid sequence of the SEC23B protein, but it affects a nucleotide within the consensus splice site of the intron.

Literature cited by the submitters: PubMed 17576681 (cited by Labcorp Genetics (formerly Invitae), Labcorp); PubMed 9536098 (cited by Labcorp Genetics (formerly Invitae), Labcorp); PubMed 23453696 (cited by Labcorp Genetics (formerly Invitae), Labcorp).

NM_006363.6(SEC23B):c.1404+5G>A

Gene: SEC23B (SEC23 homolog B, COPII component; plus strand). Cytogenetic location: 20p11.23.
Variant type: single nucleotide variant.
Coding change: c.1404+5G>A on transcript NM_006363.6 (MANE Select); 5 bases into the intron after coding-DNA position 1404, G replaced by A.
Molecular consequence: intron variant.
Genome position (GRCh38, 1-based): chr20:18,535,747, G>A. VCF-style: chr20-18535747-G-A. GRCh37 (hg19) VCF-style: chr20-18516391-G-A.
Other names: c.1404+5G>A (NM_032986.5, NM_001172745.3, NM_032985.6); c.1350+5G>A (NM_001172746.3).
Identifiers: ClinVar variation 532195 (VCV000532195.8), dbSNP rs1555789463, ClinGen allele CA658799346.